The following is an entry in ClinVar:

NM_000548.5(TSC2):c.4496dup (p.Val1500fs)

Gene: TSC2 (TSC complex subunit 2; plus strand). Cytogenetic location: 16p13.3.
Variant type: Duplication.
Coding change: c.4496dup on transcript NM_000548.5 (MANE Select); coding-DNA position 4496, one base duplicated (T; older notation c.4496dupT).
Protein change: p.Val1500fs; shifts the reading frame from valine 1500.
Molecular consequence: frameshift variant.
Genome position (GRCh38, 1-based): chr16:2,084,953, T duplicated; the last of 3 consecutive T bases (chr16:2,084,951-2,084,953); duplicating any one gives the same sequence. VCF-style (leftmost placement, unchanged base first): chr16-2084950-G-GT. GRCh37 (hg19) VCF-style: chr16-2134951-G-GT.
Other names: c.4367dup, p.Val1457fs (NM_021055.3, NM_001370405.1); c.4295dup, p.Val1433fs (NM_001077183.3); c.4427dup, p.Val1477fs (NM_001114382.3); c.4187dup, p.Val1397fs (NM_001318827.2); c.4151dup, p.Val1385fs (NM_001318829.2); c.3764dup, p.Val1256fs (NM_001318831.2); c.4328dup, p.Val1444fs (NM_001318832.2); c.4298dup, p.Val1434fs (NM_001363528.2); and 1 more; short protein forms V1434fs, V1444fs, V1500fs, V1256fs, V1433fs, V1385fs, V1397fs, V1456fs.
Identifiers: ClinVar variation 65267 (VCV000065267.4), dbSNP rs397515194, ClinGen allele CA020553.
Genomic context (GRCh38, chr16:2,084,950, plus strand): 5'-TGGGCTGTGGCTGCCCTGGCCAGGCCCTCACCTGGGTGCCCACCATCCCCTCCCTGTGCA[G>GT]TTTCGTGTTCCTGCAGCTCTACCATTCCCCCTTCTTTGGCGACGAGTCAAACAAGCCAAT-3'

ClinVar aggregate classification (germline): Pathogenic. Review status: criteria provided, single submitter (1 of 4 stars). 2 submissions from 2 submitters: Pathogenic (1). 1 of the submissions does not count toward it. Last evaluated 2024-05-08.

Conditions:
Tuberous sclerosis 2 (TSC2). Identifiers: Orphanet 805, MedGen C1860707, MONDO:0013199, OMIM 613254.
Tuberous sclerosis syndrome (TSC). Also called: Tuberous Sclerosis Complex; Tuberous sclerosis. Identifiers: Orphanet 805, MedGen C0041341, MONDO:0001734.

Submissions (2):

Labcorp Genetics (formerly Invitae), Labcorp
Classification: Pathogenic for Tuberous sclerosis 2. Last evaluated: 2024-05-08. Review status: criteria provided, single submitter. Criteria: Invitae Variant Classification Sherloc (09022015). Collection method: clinical testing. Allele origin: germline.
Comment: This sequence change creates a premature translational stop signal (p.Val1500Argfs*24) in the TSC2 gene. It is expected to result in an absent or disrupted protein product. Loss-of-function variants in TSC2 are known to be pathogenic (PMID: 10205261, 17304050). This variant is not present in population databases (gnomAD no frequency). This premature translational stop signal has been observed in individual(s) with tuberous sclerosis complex (PMID: 32313033). ClinVar contains an entry for this variant (Variation ID: 65267). Algorithms developed to predict the effect of sequence changes on RNA splicing suggest that this variant may disrupt the consensus splice site. For these reasons, this variant has been classified as Pathogenic.

Tuberous sclerosis database (TSC2)
No classification provided. Condition: TSC. Review status: no classification provided. Criteria: Tuberous Sclerosis Database Assertion Criteria 2015. Collection method: curation. Allele origin: germline. Affected: yes. Not counted in ClinVar's aggregate classification.

Literature cited by the submitters: PubMed 10205261 (cited by Labcorp Genetics (formerly Invitae), Labcorp); PubMed 17304050 (cited by Labcorp Genetics (formerly Invitae), Labcorp); PubMed 32313033 (cited by Labcorp Genetics (formerly Invitae), Labcorp).